The following is an entry in ClinVar:

ClinVar aggregate classification (germline): Uncertain significance. Review status: criteria provided, multiple submitters, no conflicts (2 of 4 stars). 5 submissions from 5 submitters: Uncertain significance (5). Last evaluated 2025-09-22.

Conditions:
Variegate porphyria (VP). Also called: PPOX DEFICIENCY; PORPHYRIA, SOUTH AFRICAN TYPE; PROTOPORPHYRINOGEN OXIDASE DEFICIENCY. Identifiers: Orphanet 79473, MedGen C0162532, MONDO:0008297, OMIM 176200.
PPOX-related disorder. Also called: PPOX-related condition.

Allele frequency attached by ClinVar (database versions not stated): gnomAD 0.00004; gnomAD exomes 0.00007 and 0.00017; TOPMed 0.00008.
gnomAD v4.1: 263 of 1,611,806 alleles (0.016%); highest among the groups gnomAD compares: Non-Finnish European, 0.021%; no homozygotes.

Submissions (5):

PreventionGenetics, part of Exact Sciences
Classification: Uncertain significance for PPOX-related condition. Last evaluated: 2025-09-22. Review status: criteria provided, single submitter. Criteria: ACMG Guidelines, 2015. Collection method: clinical testing. Allele origin: germline.
Comment: The PPOX c.1220C>T variant is predicted to result in the amino acid substitution p.Pro407Leu. To our knowledge, this variant has not been reported in the literature. This variant is reported in 0.016% of alleles in individuals of European (Non-Finnish) descent in gnomAD. Although we suspect that this variant may be benign, at this time, the clinical significance of this variant is uncertain due to the absence of conclusive functional and genetic evidence.

Labcorp Genetics (formerly Invitae), Labcorp
Classification: Uncertain significance. Last evaluated: 2025-03-31. Review status: criteria provided, single submitter. Criteria: Invitae Variant Classification Sherloc (09022015). Collection method: clinical testing. Allele origin: germline.
Comment: This sequence change replaces proline, which is neutral and non-polar, with leucine, which is neutral and non-polar, at codon 407 of the PPOX protein (p.Pro407Leu). This variant is present in population databases (rs772971420, gnomAD 0.02%). This missense change has been observed in individual(s) with clinical features of PPOX-related conditions (internal data). ClinVar contains an entry for this variant (Variation ID: 876147). Invitae Evidence Modeling of protein sequence and biophysical properties (such as structural, functional, and spatial information, amino acid conservation, physicochemical variation, residue mobility, and thermodynamic stability) indicates that this missense variant is expected to disrupt PPOX protein function with a positive predictive value of 95%. In summary, the available evidence is currently insufficient to determine the role of this variant in disease. Therefore, it has been classified as a Variant of Uncertain Significance.

Mayo Clinic Laboratories, Mayo Clinic
Classification: Uncertain significance. Last evaluated: 2025-03-21. Review status: criteria provided, single submitter. Criteria: ACMG Guidelines, 2015. Collection method: clinical testing. Allele origin: germline. Observed: 1 variant allele.
Comment: PP3_moderate

Victorian Clinical Genetics Services, Murdoch Childrens Research Institute
Classification: Uncertain significance for Variegate porphyria. Last evaluated: 2020-07-02. Review status: criteria provided, single submitter. Criteria: ACMG Guidelines, 2015. Collection method: clinical testing. Allele origin: germline. Inheritance: Autosomal dominant inheritance. Affected: yes.
Comment: Based on the classification scheme VCGS_Germline_v1.3.2, this variant is classified as VUS-3B. Following criteria are met: 0102 - Loss of function is a known mechanism of disease in this gene and is associated with porphyria variegate. (I) 0107 - This gene is associated with autosomal dominant disease. (I) 0112 - The condition associated with this gene has incomplete penetrance. Incomplete penetrance was observed in a large affected family, consistent with other reports (PMID:15327556). (I) 0115 - Variants in this gene are known to have variable expressivity. Affected members of the same family manifest different combinations of phenotypes (PMID:15327556). 0200 - Variant is predicted to result in a missense amino acid change from proline to leucine. (I) 0251 - This variant is heterozygous. (I) 0302 - Variant is present in gnomAD (v2 and v3) <0.001 for a dominant condition (25 heterozygotes, 0 homozygotes). (SP) 0501 - Missense variant consistently predicted to be damaging by multiple in silico tools or highly conserved with a major amino acid change. (SP) 0604 - Variant is not located in an established domain, motif, hotspot or informative constraint region. (I) 0705 - No comparable missense variants have previous evidence for pathogenicity. (I) 0809 - Previous evidence of pathogenicity for this variant is inconclusive. This variant has been reported as a VUS once in the context of predisposition screening of ostensibly healthy individuals (ClinVar). (I) 0905 - No published segregation evidence has been identified for this variant. (I) 1007 - No published functional evidence has been identified for this variant. (I) 1208 - Inheritance information for this variant is not currently available in this individual. (I) Legend: (SP) - Supporting pathogenic, (I) - Information, (SB) - Supporting benign

Illumina Laboratory Services, Illumina
Classification: Uncertain significance for Variegate porphyria. Last evaluated: 2018-01-13. Review status: criteria provided, single submitter. Criteria: ICSL Variant Classification Criteria 13 December 2019. Collection method: clinical testing. Allele origin: germline.

Literature cited by the submitters: PubMed 15327556 (cited by Victorian Clinical Genetics Services, Murdoch Childrens Research Institute).

NM_001122764.3(PPOX):c.1220C>T (p.Pro407Leu)

Gene: PPOX (protoporphyrinogen oxidase; plus strand). Cytogenetic location: 1q23.3.
Variant type: single nucleotide variant.
Coding change: c.1220C>T on transcript NM_001122764.3 (MANE Select); coding-DNA position 1220, C replaced by T.
Protein change: p.Pro407Leu; replaces proline 407 with leucine.
Molecular consequence: missense variant.
Genome position (GRCh38, 1-based): chr1:161,170,741, C>T. VCF-style: chr1-161170741-C-T. GRCh37 (hg19) VCF-style: chr1-161140531-C-T.
Other names: p.Pro407Leu; c.1220C>T, p.Pro407Leu (NM_000309.5, NM_001365398.1); c.1121C>T, p.Pro374Leu (NM_001350128.2); c.812C>T, p.Pro271Leu (NM_001350129.2, NM_001365400.1); c.734C>T, p.Pro245Leu (NM_001350130.2, NM_001350131.2, NM_001365401.1); c.1109C>T, p.Pro370Leu (NM_001365399.1); short protein forms P245L, P271L, P407L, P374L, P370L.
Identifiers: ClinVar variation 876147 (VCV000876147.14), dbSNP rs772971420, ClinGen allele CA1207381.